The following is an entry in ClinVar:

ClinVar aggregate classification (germline): Conflicting classifications of pathogenicity. Review status: criteria provided, conflicting classifications (1 of 4 stars). 7 submissions from 7 submitters: Uncertain significance (6); Benign (1). Last evaluated 2025-08-04.

Conditions:
Hereditary cancer-predisposing syndrome. Also called: Hereditary Cancer Syndrome; Neoplastic Syndromes, Hereditary; Tumor predisposition; Hereditary neoplastic syndrome. Identifiers: Orphanet 140162, MedGen C0027672, MeSH D009386, MONDO:0015356.
Juvenile polyposis syndrome (JPS). Identifiers: Orphanet 2929, MedGen C0345893, MONDO:0017380, OMIM 174900.
Generalized juvenile polyposis/juvenile polyposis coli. Also called: Juvenile polyposis coli. Identifiers: Orphanet 329971, MedGen C1868081, MONDO:0008276.
Polyposis syndrome, hereditary mixed, 2. Identifiers: Orphanet 157794, MedGen C1864730, MONDO:0012405, OMIM 610069.

Allele frequency attached by ClinVar (database versions not stated): TOPMed 0.00001.

Submissions (7):

Labcorp Genetics (formerly Invitae), Labcorp
Classification: Uncertain significance for Juvenile polyposis syndrome. Last evaluated: 2025-08-04. Review status: criteria provided, single submitter. Criteria: Invitae Variant Classification Sherloc (09022015). Collection method: clinical testing. Allele origin: germline.
Comment: This sequence change replaces methionine, which is neutral and non-polar, with leucine, which is neutral and non-polar, at codon 167 of the BMPR1A protein (p.Met167Leu). This variant is present in population databases (rs200951235, gnomAD 0.01%). This variant has not been reported in the literature in individuals affected with BMPR1A-related conditions. ClinVar contains an entry for this variant (Variation ID: 187206). Invitae Evidence Modeling incorporating data from in vitro experimental studies (internal data) indicates that this missense variant is not expected to disrupt BMPR1A function with a negative predictive value of 95%. In summary, the available evidence is currently insufficient to determine the role of this variant in disease. Therefore, it has been classified as a Variant of Uncertain Significance.

Baylor Genetics
Classification: Uncertain significance for Polyposis syndrome, hereditary mixed, 2. Last evaluated: 2023-12-19. Review status: criteria provided, single submitter. Criteria: ACMG Guidelines, 2015. Collection method: clinical testing. Allele origin: unknown.

All of Us Research Program, National Institutes of Health
Classification: Uncertain significance for Juvenile polyposis syndrome. Last evaluated: 2023-06-15. Review status: criteria provided, single submitter. Criteria: ACMG Guidelines, 2015. Collection method: clinical testing. Allele origin: germline. Inheritance: Autosomal dominant inheritance. Observed: 1 variant allele, 1 heterozygote.
Comment: This missense variant replaces methionine with leucine at codon 167 of the BMPR1A protein. Computational prediction suggests that this variant may not impact protein structure and function (internally defined REVEL score threshold <= 0.5, PMID: 27666373). To our knowledge, functional studies have not been reported for this variant. This variant has not been reported in individuals affected with hereditary cancer in the literature. This variant has been identified in 2/251294 chromosomes in the general population by the Genome Aggregation Database (gnomAD). The available evidence is insufficient to determine the role of this variant in disease conclusively. Therefore, this variant is classified as a Variant of Uncertain Significance.

This study involves interpretation of variants in research participants for the purpose of population health screening. Participant phenotype was not available at the time of variant classification. Additional details can be found in publication PMID: 35346344, PMCID: PMC8962531

Color Diagnostics, LLC DBA Color Health
Classification: Uncertain significance for Hereditary cancer-predisposing syndrome. Last evaluated: 2022-09-19. Review status: criteria provided, single submitter. Criteria: ACMG Guidelines, 2015. Collection method: clinical testing. Allele origin: germline.
Comment: This missense variant replaces methionine with leucine at codon 167 of the BMPR1A protein. Computational prediction suggests that this variant may not impact protein structure and function (internally defined REVEL score threshold <= 0.5, PMID: 27666373). To our knowledge, functional studies have not been reported for this variant. This variant has not been reported in individuals affected with hereditary cancer in the literature. This variant has been identified in 2/251294 chromosomes in the general population by the Genome Aggregation Database (gnomAD). The available evidence is insufficient to determine the role of this variant in disease conclusively. Therefore, this variant is classified as a Variant of Uncertain Significance.

Ambry Genetics
Classification: Benign for Hereditary cancer-predisposing syndrome. Last evaluated: 2022-06-10. Review status: criteria provided, single submitter. Criteria: Ambry Variant Classification Scheme 2023. Collection method: clinical testing. Allele origin: germline.

GeneDx
Classification: Uncertain significance. Last evaluated: 2022-04-13. Review status: criteria provided, single submitter. Criteria: GeneDx Variant Classification Process June 2021. Collection method: clinical testing. Allele origin: germline. Affected: yes.
Comment: Not observed at a significant frequency in large population cohorts (gnomAD); In silico analysis supports that this missense variant does not alter protein structure/function; Has not been previously published as pathogenic or benign to our knowledge

St. Jude Molecular Pathology, St. Jude Children's Research Hospital
Classification: Uncertain significance for Juvenile polyposis syndrome. Last evaluated: 2021-08-03. Review status: criteria provided, single submitter. Criteria: St. Jude Assertion Criteria 2020. Collection method: clinical testing. Allele origin: germline.

NM_004329.3(BMPR1A):c.499A>T (p.Met167Leu)

Gene: BMPR1A (bone morphogenetic protein receptor type 1A; plus strand). Cytogenetic location: 10q23.2.
Variant type: single nucleotide variant.
Coding change: c.499A>T on transcript NM_004329.3 (MANE Select); coding-DNA position 499, A replaced by T.
Protein change: p.Met167Leu; replaces methionine 167 with leucine.
Molecular consequence: missense variant.
Genome position (GRCh38, 1-based): chr10:86,900,095, A>T. VCF-style: chr10-86900095-A-T. GRCh37 (hg19) VCF-style: chr10-88659852-A-T.
Other names: short protein forms M167L.
Identifiers: ClinVar variation 187206 (VCV000187206.25), dbSNP rs200951235, ClinGen allele CA197010.